The following is an entry in ClinVar:

NM_198576.4(AGRN):c.3046A>G (p.Thr1016Ala)

Gene: AGRN (agrin; plus strand). Cytogenetic location: 1p36.33.
Variant type: single nucleotide variant.
Coding change: c.3046A>G on transcript NM_198576.4 (MANE Select); coding-DNA position 3046, A replaced by G.
Protein change: p.Thr1016Ala; replaces threonine 1016 with alanine.
Molecular consequence: missense variant.
Genome position (GRCh38, 1-based): chr1:1,046,531, A>G. VCF-style: chr1-1046531-A-G. GRCh37 (hg19) VCF-style: chr1-981911-A-G.
Other names: c.3046A>G, p.Thr1016Ala (NM_001305275.2); c.2731A>G, p.Thr911Ala (NM_001364727.2); short protein forms T1016A, T911A.
Identifiers: ClinVar variation 474113 (VCV000474113.10), dbSNP rs1553176512, ClinGen allele CA337846713.
Genomic context (GRCh38, chr1:1,046,531, plus strand): 5'-GCACTGCCGGCCCCCCCCGGCGCCCTCCCCCTGGCTCCCAGCAGTACCGCACACAGCCAG[A>G]CCACCCCTCCGCCCTCATCACGACCTCGGACCACTGCCAGCGTCCCCAGGACCACCGTGT-3'
Protein context (NP_940978.2, residues 1006-1026): LAPSSTAHSQ[Thr1016Ala]TPPPSSRPRT

ClinVar aggregate classification (germline): Uncertain significance (1 of 4 stars; one submission).

Conditions:
Congenital myasthenic syndrome 8. Also called: Myasthenic syndrome, congenital, 8, with pre- and postsynaptic defects; MYASTHENIC SYNDROME, CONGENITAL, DUE TO AGRIN DEFICIENCY. Identifiers: Orphanet 590, MedGen C3808739, MONDO:0014052, OMIM 615120.

Submission:

Labcorp Genetics (formerly Invitae), Labcorp
Classification: Uncertain significance for Congenital myasthenic syndrome 8. Last evaluated: 2019-08-16. Review status: criteria provided, single submitter. Criteria: Invitae Variant Classification Sherloc (09022015). Collection method: clinical testing. Allele origin: germline.
Comment: This sequence change replaces threonine with alanine at codon 1016 of the AGRN protein (p.Thr1016Ala). The threonine residue is weakly conserved and there is a small physicochemical difference between threonine and alanine. This variant is not present in population databases (ExAC no frequency). This variant has not been reported in the literature in individuals with a AGRN-related disease. Algorithms developed to predict the effect of missense changes on protein structure and function output the following: SIFT: "Tolerated"; PolyPhen-2: "Benign"; Align-GVGD: "Class C0". The alanine amino acid residue is found in multiple mammalian species, suggesting that this missense change does not adversely affect protein function. These predictions have not been confirmed by published functional studies and their clinical significance is uncertain. In summary, this variant has uncertain impact on AGRN function. The available evidence is currently insufficient to determine its role in disease. Therefore, it has been classified as a Variant of Uncertain Significance.